The following is an entry in ClinVar:

NM_000088.4(COL1A1):c.578dup (p.Gly194fs)

Gene: COL1A1 (collagen type I alpha 1 chain; minus strand). Cytogenetic location: 17q21.33.
Variant type: Duplication.
Coding change: c.578dup on transcript NM_000088.4 (MANE Select); coding-DNA position 578, one base duplicated (C; older notation c.578dupC).
Protein change: p.Gly194fs; shifts the reading frame from glycine 194.
Molecular consequence: frameshift variant.
Genome position (GRCh38, 1-based): chr17:50,198,171, G duplicated on the plus strand (C on the coding strand, the reverse complement: COL1A1 is on the minus strand); the first of 6 consecutive G bases (chr17:50,198,171-50,198,176); duplicating any one gives the same sequence. VCF-style (leftmost placement, unchanged base first): chr17-50198170-A-AG. GRCh37 (hg19) VCF-style: chr17-48275531-A-AG.
Other names: p.Gly194TrpfsTer14; c.578dupC (NM_000088.3); c.578dup (NM_000088.3); short protein forms G194fs.
Identifiers: ClinVar variation 648346 (VCV000648346.12), dbSNP rs1598300304, ClinGen allele CA915950622.

ClinVar aggregate classification (germline): Pathogenic/Likely pathogenic. Review status: criteria provided, multiple submitters, no conflicts (2 of 4 stars). 4 submissions from 4 submitters: Pathogenic (3); Likely pathogenic (1). Last evaluated 2025-03-13.

Conditions:
Osteogenesis imperfecta type I (OI1). Also called: Lobstein disease; Classic Non-deforming Osteogenesis Imperfecta with Blue Sclerae; Lobstein's Disease; OI, TYPE I; OSTEOGENESIS IMPERFECTA TARDA; OSTEOGENESIS IMPERFECTA WITH BLUE SCLERAE. Identifiers: Orphanet 216796, Orphanet 666, MedGen C0023931, MONDO:0008146, OMIM 166200. Disease mechanism: loss of function.

Submissions (4):

GeneDx
Classification: Pathogenic. Last evaluated: 2025-03-13. Review status: criteria provided, single submitter. Criteria: GeneDx Variant Classification Process June 2021. Collection method: clinical testing. Allele origin: germline. Affected: yes.
Comment: Frameshift variant predicted to result in protein truncation or nonsense mediated decay in a gene for which loss of function is a known mechanism of disease; Not observed at significant frequency in large population cohorts (gnomAD); This variant is associated with the following publications: (PMID: 37270749, 36951356, 30886339, 34358384)

Foundation for Research in Genetics and Endocrinology, FRIGE's Institute of Human Genetics
Classification: Likely pathogenic for Osteogenesis imperfecta type I. Last evaluated: 2025-02-27. Review status: criteria provided, single submitter. Criteria: ACMG Guidelines, 2015. Collection method: clinical testing. Allele origin: germline. Inheritance: Autosomal dominant inheritance. Affected: yes. Observed: 1 heterozygote.
Comment: A heterozygous missense variation in exon 7 of the COL1A1 gene that results in the amino acid substitution of Tryptophan for Glycine at codon 194 was detected. The observed variant c.578dup is not reported in the 1000 genomes and gnomAD databases. The in silico prediction of the variant is damaging by MutationTaster2. The reference region is conserved across species. In summary, the variant meets our criteria to be classified as a likely pathogenic.

Laboratory of Genetics, Children's Clinical University Hospital Latvia
Classification: Pathogenic. Last evaluated: 2025-02-16. Review status: criteria provided, single submitter. Criteria: ACMG Guidelines, 2015. Collection method: clinical testing. Allele origin: germline. Affected: yes.

Labcorp Genetics (formerly Invitae), Labcorp
Classification: Pathogenic for Osteogenesis imperfecta type I. Last evaluated: 2024-08-14. Review status: criteria provided, single submitter. Criteria: Invitae Variant Classification Sherloc (09022015). Collection method: clinical testing. Allele origin: germline.
Comment: This sequence change creates a premature translational stop signal (p.Gly194Trpfs*14) in the COL1A1 gene. It is expected to result in an absent or disrupted protein product. Loss-of-function variants in COL1A1 are known to be pathogenic (PMID: 7942841, 9295084, 9443882). This variant is not present in population databases (gnomAD no frequency). This variant has not been reported in the literature in individuals affected with COL1A1-related conditions. ClinVar contains an entry for this variant (Variation ID: 648346). For these reasons, this variant has been classified as Pathogenic.

Literature cited by the submitters: PubMed 7942841 (cited by Labcorp Genetics (formerly Invitae), Labcorp); PubMed 9295084 (cited by Labcorp Genetics (formerly Invitae), Labcorp); PubMed 9443882 (cited by Labcorp Genetics (formerly Invitae), Labcorp).